The following is an entry in ClinVar:

ClinVar aggregate classification (germline): Likely benign (0 of 4 stars; one submission).

Conditions:
ITSN1-related disorder. Also called: ITSN1-related condition.

Allele frequency attached by ClinVar (database versions not stated): ESP Exome Variant Server 0.00008; 1000 Genomes Project 30x 0.00031; 1000 Genomes Project 0.00040.
gnomAD v4.1: 77 of 1,612,178 alleles (0.0048%); highest among the groups gnomAD compares: Middle Eastern, 0.083%; no homozygotes.

Submission:

PreventionGenetics, part of Exact Sciences
Classification: Likely benign for ITSN1-related condition. Last evaluated: 2022-12-19. Review status: no assertion criteria provided. Collection method: clinical testing. Allele origin: germline.
Comment: This variant is classified as likely benign based on ACMG/AMP sequence variant interpretation guidelines (Richards et al. 2015 PMID: 25741868, with internal and published modifications).

NM_003024.3(ITSN1):c.4676+7C>T

Gene: ITSN1 (intersectin 1; plus strand). Cytogenetic location: 21q22.11.
Variant type: single nucleotide variant.
Coding change: c.4676+7C>T on transcript NM_003024.3 (MANE Select); 7 bases into the intron after coding-DNA position 4676, C replaced by T.
Molecular consequence: intron variant.
Genome position (GRCh38, 1-based): chr21:33,883,678, C>T. VCF-style: chr21-33883678-C-T. GRCh37 (hg19) VCF-style: chr21-35255982-C-T.
Other names: c.4661+7C>T (NM_001331010.2).
Identifiers: ClinVar variation 3037039 (VCV003037039.2), dbSNP rs147216792, ClinGen allele CA10012477.
Genomic context (GRCh38, chr21:33,883,678, plus strand): 5'-CATCTCCCACATTGACCGCGTCTATACTCTCCGAGCAGAAAGCATAAATGAAAGGTGAGA[C>T]CTGCCGCCTCCCCAGCATGGGCCCCAGGGCTCCACGGCTCTAGGACACACAAGGGGCGGG-3'